The following is an entry in ClinVar:

NM_017636.4(TRPM4):c.3130A>T (p.Ser1044Cys)

Gene: TRPM4 (transient receptor potential cation channel subfamily M member 4; plus strand). Cytogenetic location: 19q13.33.
Variant type: single nucleotide variant.
Coding change: c.3130A>T on transcript NM_017636.4 (MANE Select); coding-DNA position 3130, A replaced by T.
Protein change: p.Ser1044Cys; replaces serine 1044 with cysteine.
Molecular consequence: missense variant.
Genome position (GRCh38, 1-based): chr19:49,202,140, A>T. VCF-style: chr19-49202140-A-T. GRCh37 (hg19) VCF-style: chr19-49705397-A-T.
Other names: c.2695A>T, p.Ser899Cys (NM_001195227.2); c.2785A>T, p.Ser929Cys (NM_001321281.2); c.1522A>T, p.Ser508Cys (NM_001321282.2); c.2608A>T, p.Ser870Cys (NM_001321283.2); c.2068A>T, p.Ser690Cys (NM_001321285.2); short protein forms S1044C, S508C, S870C, S929C, S690C, S899C.
Identifiers: ClinVar variation 536793 (VCV000536793.9), dbSNP rs780227965, ClinGen allele CA9569771.

ClinVar aggregate classification (germline): Uncertain significance. Review status: criteria provided, multiple submitters, no conflicts (2 of 4 stars). 3 submissions from 3 submitters: Uncertain significance (3). Last evaluated 2025-06-27.

Conditions:
Progressive familial heart block type IB (PFHB1B). Identifiers: Orphanet 871, MedGen C1970298, MONDO:0011474, OMIM 604559.
Erythrokeratodermia variabilis et progressiva 6. Identifiers: MedGen C5193144, MONDO:0032801, OMIM 618531.
Cardiovascular phenotype. Identifiers: MedGen CN230736.

Allele frequency attached by ClinVar (database versions not stated): gnomAD exomes below 0.00001 and 0.00001; TOPMed below 0.00001; ExAC 0.00001; gnomAD 0.00001.
gnomAD v4.1: 7 of 1,613,866 alleles (0.00043%); highest among the groups gnomAD compares: Non-Finnish European, 0.00059%; no homozygotes.

Submissions (3):

Ambry Genetics
Classification: Uncertain significance for Cardiovascular phenotype. Last evaluated: 2025-06-27. Review status: criteria provided, single submitter. Criteria: Ambry Variant Classification Scheme 2023. Collection method: clinical testing. Allele origin: germline.
Comment: The p.S1044C variant (also known as c.3130A>T), located in coding exon 20 of the TRPM4 gene, results from an A to T substitution at nucleotide position 3130. The serine at codon 1044 is replaced by cysteine, an amino acid with dissimilar properties. This alteration has been reported in a subject with complete heart block and the same authors noted a possible impact on protein function (Bianchi B et al. Front Physiol, 2018 Mar;9:177). This amino acid position is well conserved in available vertebrate species. In addition, this alteration is predicted to be deleterious by in silico analysis. Since supporting evidence is limited at this time, the clinical significance of this alteration remains unclear.

Labcorp Genetics (formerly Invitae), Labcorp
Classification: Uncertain significance for Progressive familial heart block type IB. Last evaluated: 2022-06-15. Review status: criteria provided, single submitter. Criteria: Invitae Variant Classification Sherloc (09022015). Collection method: clinical testing. Allele origin: germline.
Comment: In summary, the available evidence is currently insufficient to determine the role of this variant in disease. Therefore, it has been classified as a Variant of Uncertain Significance. Algorithms developed to predict the effect of sequence changes on RNA splicing suggest that this variant may disrupt the consensus splice site. Experimental studies have shown that this missense change affects TRPM4 function (PMID: 29568272). Algorithms developed to predict the effect of missense changes on protein structure and function are either unavailable or do not agree on the potential impact of this missense change (SIFT: "Deleterious"; PolyPhen-2: "Probably Damaging"; Align-GVGD: "Class C0"). ClinVar contains an entry for this variant (Variation ID: 536793). This missense change has been observed in individual(s) with complete heart block (PMID: 29568272). This variant is present in population databases (rs780227965, gnomAD 0.0009%). This sequence change replaces serine, which is neutral and polar, with cysteine, which is neutral and slightly polar, at codon 1044 of the TRPM4 protein (p.Ser1044Cys).

Fulgent Genetics
Classification: Uncertain significance for Progressive familial heart block type IB; Erythrokeratodermia variabilis et progressiva 6. Last evaluated: 2021-08-18. Review status: criteria provided, single submitter. Criteria: ACMG Guidelines, 2015. Collection method: clinical testing. Allele origin: unknown.

Literature cited by the submitters: PubMed 29568272 (cited by Ambry Genetics and Labcorp Genetics (formerly Invitae), Labcorp).